The following is an entry in ClinVar:

ClinVar aggregate classification (germline): Uncertain significance (1 of 4 stars; one submission).

Allele frequency attached by ClinVar (database versions not stated): TOPMed below 0.00001.

Submission:

Labcorp Genetics (formerly Invitae), Labcorp
Classification: Uncertain significance. Last evaluated: 2022-11-12. Review status: criteria provided, single submitter. Criteria: Invitae Variant Classification Sherloc (09022015). Collection method: clinical testing. Allele origin: germline.
Comment: This sequence change falls in intron 3 of the RALA gene. It does not directly change the encoded amino acid sequence of the RALA protein. It affects a nucleotide within the consensus splice site. This variant is not present in population databases (gnomAD no frequency). This variant has not been reported in the literature in individuals affected with RALA-related conditions. Variants that disrupt the consensus splice site are a relatively common cause of aberrant splicing (PMID: 17576681, 9536098). Algorithms developed to predict the effect of sequence changes on RNA splicing suggest that this variant is not likely to affect RNA splicing. In summary, the available evidence is currently insufficient to determine the role of this variant in disease. Therefore, it has been classified as a Variant of Uncertain Significance.

Literature cited by the submitters: PubMed 17576681; PubMed 9536098.

NM_005402.4(RALA):c.323+4T>C

Gene: RALA (RAS like proto-oncogene A; plus strand). Cytogenetic location: 7p14.1.
Variant type: single nucleotide variant.
Coding change: c.323+4T>C on transcript NM_005402.4 (MANE Select); 4 bases into the intron after coding-DNA position 323, T replaced by C.
Molecular consequence: intron variant.
Genome position (GRCh38, 1-based): chr7:39,690,594, T>C. VCF-style: chr7-39690594-T-C. GRCh37 (hg19) VCF-style: chr7-39730193-T-C.
Identifiers: ClinVar variation 1976328 (VCV001976328.5), dbSNP rs1792797630, ClinGen allele CA1701598567.